The following is an entry in ClinVar:

ClinVar aggregate classification (germline): Uncertain significance (1 of 4 stars; one submission).

Allele frequency attached by ClinVar (database versions not stated): gnomAD exomes below 0.00001; ExAC 0.00001.
gnomAD v4.1: 2 of 1,613,832 alleles (0.00012%); highest among the groups gnomAD compares: Middle Eastern, 0.016%; no homozygotes.

Submission:

Labcorp Genetics (formerly Invitae), Labcorp
Classification: Uncertain significance. Last evaluated: 2024-05-08. Review status: criteria provided, single submitter. Criteria: Invitae Variant Classification Sherloc (09022015). Collection method: clinical testing. Allele origin: germline.
Comment: This sequence change replaces valine, which is neutral and non-polar, with leucine, which is neutral and non-polar, at codon 335 of the LBR protein (p.Val335Leu). This variant is present in population databases (rs765826557, gnomAD 0.0009%). This variant has not been reported in the literature in individuals affected with LBR-related conditions. Advanced modeling of protein sequence and biophysical properties (such as structural, functional, and spatial information, amino acid conservation, physicochemical variation, residue mobility, and thermodynamic stability) performed at Invitae indicates that this missense variant is not expected to disrupt LBR protein function with a negative predictive value of 80%. In summary, the available evidence is currently insufficient to determine the role of this variant in disease. Therefore, it has been classified as a Variant of Uncertain Significance.

NM_002296.4(LBR):c.1003G>C (p.Val335Leu)

Gene: LBR (lamin B receptor; minus strand). Cytogenetic location: 1q42.12.
Variant type: single nucleotide variant.
Coding change: c.1003G>C on transcript NM_002296.4 (MANE Select); coding-DNA position 1003, G replaced by C.
Protein change: p.Val335Leu; replaces valine 335 with leucine.
Molecular consequence: missense variant.
Genome position (GRCh38, 1-based): chr1:225,412,535, C>G on the plus strand (G>C on the coding strand, the complement: LBR is on the minus strand). VCF-style: chr1-225412535-C-G. GRCh37 (hg19) VCF-style: chr1-225600237-C-G.
Other names: c.1003G>C, p.Val335Leu (NM_194442.3); short protein forms V335L.
Identifiers: ClinVar variation 2782229 (VCV002782229.3), dbSNP rs765826557, ClinGen allele CA1417266.